The following is an entry in ClinVar:

NC_000019.9:g.(?_1387800)_(1401485_?)del

Genes: NDUFS7 (NADH:ubiquinone oxidoreductase core subunit S7; plus strand), GAMT (guanidinoacetate N-methyltransferase; minus strand). Cytogenetic location: 19p13.3.
Variant type: Deletion.
Identifiers: ClinVar variation 1070144 (VCV001070144.1).

ClinVar aggregate classification (germline): Pathogenic (1 of 4 stars; one submission).

Conditions:
Cerebral creatine deficiency syndrome. Also called: Creatine deficiency syndromes. Identifiers: Orphanet 79172, MedGen C5244016, MONDO:0000456.

Submission:

Labcorp Genetics (formerly Invitae), Labcorp
Classification: Pathogenic for Cerebral creatine deficiency syndrome. Last evaluated: 2020-02-10. Review status: criteria provided, single submitter. Criteria: Invitae Variant Classification Sherloc (09022015). Collection method: clinical testing. Allele origin: germline.
Comment: A gross deletion of the genomic region encompassing the full coding sequence of the GAMT gene has been identified. The boundaries of this event are unknown as the deletion extends beyond the assayed region for this gene and therefore may encompass additional genes. This variant has not been reported in the literature in individuals with GAMT-related conditions. Loss-of-function variants in GAMT are known to be pathogenic (PMID: 15108290). For these reasons, this variant has been classified as Pathogenic.

Literature cited by the submitters: PubMed 15108290.